The following is an entry in ClinVar:

NM_004329.3(BMPR1A):c.481G>T (p.Ala161Ser)

Gene: BMPR1A (bone morphogenetic protein receptor type 1A; plus strand). Cytogenetic location: 10q23.2.
Variant type: single nucleotide variant.
Coding change: c.481G>T on transcript NM_004329.3 (MANE Select); coding-DNA position 481, G replaced by T.
Protein change: p.Ala161Ser; replaces alanine 161 with serine.
Molecular consequence: missense variant.
Genome position (GRCh38, 1-based): chr10:86,900,077, G>T. VCF-style: chr10-86900077-G-T. GRCh37 (hg19) VCF-style: chr10-88659834-G-T.
Other names: c.481G>T, p.Ala161Ser (NM_001406559.1, NM_001406560.1, NM_001406561.1 and 22 more transcripts); c.397G>T, p.Ala133Ser (NM_001406584.1, NM_001406585.1, NM_001406586.1 and 2 more transcripts); short protein forms A133S, A161S.
Identifiers: ClinVar variation 1743352 (VCV001743352.2), dbSNP rs1443649142, ClinGen allele CA377450406.

ClinVar aggregate classification (germline): Uncertain significance (1 of 4 stars; one submission).

Conditions:
Hereditary cancer-predisposing syndrome. Also called: Hereditary Cancer Syndrome; Neoplastic Syndromes, Hereditary; Tumor predisposition; Hereditary neoplastic syndrome. Identifiers: Orphanet 140162, MedGen C0027672, MeSH D009386, MONDO:0015356.

Submission:

Ambry Genetics
Classification: Uncertain significance for Hereditary cancer-predisposing syndrome. Last evaluated: 2021-09-09. Review status: criteria provided, single submitter. Criteria: Ambry Variant Classification Scheme 2023. Collection method: clinical testing. Allele origin: germline.
Comment: The p.A161S variant (also known as c.481G>T), located in coding exon 5 of the BMPR1A gene, results from a G to T substitution at nucleotide position 481. The alanine at codon 161 is replaced by serine, an amino acid with similar properties. This amino acid position is well conserved in available vertebrate species. In addition, this alteration is predicted to be tolerated by in silico analysis. Since supporting evidence is limited at this time, the clinical significance of this alteration remains unclear.